The following is an entry in ClinVar:

NM_000540.3(RYR1):c.5814+279G>A

Gene: RYR1 (ryanodine receptor 1; plus strand). Cytogenetic location: 19q13.2.
Variant type: single nucleotide variant.
Coding change: c.5814+279G>A on transcript NM_000540.3 (MANE Select); 279 bases into the intron after coding-DNA position 5814, G replaced by A.
Molecular consequence: intron variant.
Genome position (GRCh38, 1-based): chr19:38,489,722, G>A. VCF-style: chr19-38489722-G-A. GRCh37 (hg19) VCF-style: chr19-38980362-G-A.
Other names: c.5814+279G>A (NM_001042723.2).
Identifiers: ClinVar variation 668570 (VCV000668570.1), dbSNP rs148816924, ClinGen allele CA308097064.
Genomic context (GRCh38, chr19:38,489,722, plus strand): 5'-TCTGTCACCCAGGCTGGAATACAGTGGTGCGATCTCGGCTCACTGTAACCTCCGCCTCCC[G>A]GGTTCAAGCAATTCTCCTGCCTCAGCCTCCTGAGTAGCTGGGATCACAGGCATGTGCCAC-3'

ClinVar aggregate classification (germline): Likely benign (1 of 4 stars; one submission).

Allele frequency attached by ClinVar (database versions not stated): gnomAD 0.00847 and 0.00918; 1000 Genomes Project 30x 0.00874; 1000 Genomes Project 0.00919; TOPMed 0.00950.
gnomAD v4.1: 1,279 of 152,206 alleles (0.84%); highest among the groups gnomAD compares: African/African-American, 2.9%; 21 homozygotes.

Submission:

GeneDx
Classification: Likely benign. Last evaluated: 2018-06-14. Review status: criteria provided, single submitter. Criteria: GeneDx Variant Classification (06012015). Collection method: clinical testing. Allele origin: germline. Affected: yes.
Comment: This variant is considered likely benign or benign based on one or more of the following criteria: it is a conservative change, it occurs at a poorly conserved position in the protein, it is predicted to be benign by multiple in silico algorithms, and/or has population frequency not consistent with disease.